The following is an entry in ClinVar:

NM_003070.5(SMARCA2):c.2270T>A (p.Ile757Lys)

Gene: SMARCA2 (SWI/SNF related BAF chromatin remodeling complex subunit ATPase 2; plus strand). Cytogenetic location: 9p24.3.
Variant type: single nucleotide variant.
Coding change: c.2270T>A on transcript NM_003070.5 (MANE Select); coding-DNA position 2270, T replaced by A.
Protein change: p.Ile757Lys; replaces isoleucine 757 with lysine.
Molecular consequence: missense variant.
Genome position (GRCh38, 1-based): chr9:2,081,917, T>A. VCF-style: chr9-2081917-T-A. GRCh37 (hg19) VCF-style: chr9-2081917-T-A.
Other names: c.2270T>A, p.Ile757Lys (NM_001289396.2, NM_001289397.2, NM_139045.4); short protein forms I757K.
Identifiers: ClinVar variation 4631619 (VCV004631619.2).

ClinVar aggregate classification (germline): Uncertain significance (1 of 4 stars; one submission).

Conditions:
Inborn genetic diseases. Identifiers: MedGen C0950123, MeSH D030342.

Submission:

Ambry Genetics
Classification: Uncertain significance for Inborn genetic diseases. Last evaluated: 2025-12-17. Review status: criteria provided, single submitter. Criteria: Ambry Variant Classification Scheme 2023. Collection method: clinical testing. Allele origin: germline.
Comment: The c.2270T>A (p.I757K) alteration is located in exon 15 (coding exon 14) of the SMARCA2 gene. This alteration results from a T to A substitution at nucleotide position 2270, causing the isoleucine (I) at amino acid position 757 to be replaced by a lysine (K). This variant was not reported in population-based cohorts in the Genome Aggregation Database (gnomAD). This amino acid position is highly conserved in available vertebrate species. This alteration is predicted to be deleterious by in silico analysis. Based on insufficient or conflicting evidence, the clinical significance of this alteration remains unclear.